The following is an entry in ClinVar:

NM_002098.6(GUCA1B):c.361A>G (p.Ile121Val)

Gene: GUCA1B (guanylate cyclase activator 1B; minus strand). Cytogenetic location: 6p21.1.
Variant type: single nucleotide variant.
Coding change: c.361A>G on transcript NM_002098.6 (MANE Select); coding-DNA position 361, A replaced by G.
Protein change: p.Ile121Val; replaces isoleucine 121 with valine.
Molecular consequence: missense variant.
Genome position (GRCh38, 1-based): chr6:42,185,794, T>C on the plus strand (A>G on the coding strand, the complement: GUCA1B is on the minus strand). VCF-style: chr6-42185794-T-C. GRCh37 (hg19) VCF-style: chr6-42153532-T-C.
Other names: short protein forms I121V.
Identifiers: ClinVar variation 1042727 (VCV001042727.8), dbSNP rs760685465, ClinGen allele CA3805569.

ClinVar aggregate classification (germline): Uncertain significance (1 of 4 stars; one submission).

Allele frequency attached by ClinVar (database versions not stated): gnomAD exomes 0.00001 and 0.00002; TOPMed 0.00001; ExAC 0.00002.
gnomAD v4.1: 7 of 1,602,196 alleles (0.00044%); highest among the groups gnomAD compares: Admixed American, 0.01%; no homozygotes.

Submission:

Labcorp Genetics (formerly Invitae), Labcorp
Classification: Uncertain significance. Last evaluated: 2023-12-23. Review status: criteria provided, single submitter. Criteria: Invitae Variant Classification Sherloc (09022015). Collection method: clinical testing. Allele origin: germline.
Comment: This sequence change replaces isoleucine, which is neutral and non-polar, with valine, which is neutral and non-polar, at codon 121 of the GUCA1B protein (p.Ile121Val). This variant is present in population databases (rs760685465, gnomAD 0.009%). This missense change has been observed in individual(s) with retinitis pigmentosa (PMID: 24938718). ClinVar contains an entry for this variant (Variation ID: 1042727). An algorithm developed to predict the effect of missense changes on protein structure and function (PolyPhen-2) suggests that this variant is likely to be tolerated. In summary, the available evidence is currently insufficient to determine the role of this variant in disease. Therefore, it has been classified as a Variant of Uncertain Significance.

Literature cited by the submitters: PubMed 24938718.